The following is an entry in ClinVar:

NM_032776.3(JMJD1C):c.6518A>G (p.Tyr2173Cys)

Gene: JMJD1C (jumonji domain containing 1C; minus strand). Cytogenetic location: 10q21.3.
Variant type: single nucleotide variant.
Coding change: c.6518A>G on transcript NM_032776.3 (MANE Select); coding-DNA position 6518, A replaced by G.
Protein change: p.Tyr2173Cys; replaces tyrosine 2173 with cysteine.
Molecular consequence: missense variant. On other transcripts: non-coding transcript variant (1).
Genome position (GRCh38, 1-based): chr10:63,189,220, T>C on the plus strand (A>G on the coding strand, the complement: JMJD1C is on the minus strand). VCF-style: chr10-63189220-T-C. GRCh37 (hg19) VCF-style: chr10-64948980-T-C.
Other names: c.5972A>G, p.Tyr1991Cys (NM_001282948.2, NM_001318154.2); c.5654A>G, p.Tyr1885Cys (NM_001318153.2); c.6404A>G, p.Tyr2135Cys (NM_001322252.2); c.5861A>G, p.Tyr1954Cys (NM_001322254.2, NM_001322258.2); short protein forms Y1954C, Y1991C, Y2135C, Y1885C, Y2173C.
Identifiers: ClinVar variation 4707291 (VCV004707291.1).

ClinVar aggregate classification (germline): Uncertain significance (1 of 4 stars; one submission).

Conditions:
Early Myoclonic Encephalopathy. Identifiers: MedGen C0270855.

Submission:

Labcorp Genetics (formerly Invitae), Labcorp
Classification: Uncertain significance for Early Myoclonic Encephalopathy. Last evaluated: 2025-07-30. Review status: criteria provided, single submitter. Criteria: Invitae Variant Classification Sherloc (09022015). Collection method: clinical testing. Allele origin: germline.
Comment: This sequence change replaces tyrosine, which is neutral and polar, with cysteine, which is neutral and slightly polar, at codon 2173 of the JMJD1C protein (p.Tyr2173Cys). This variant is not present in population databases (gnomAD no frequency). This variant has not been reported in the literature in individuals affected with JMJD1C-related conditions. Invitae Evidence Modeling of protein sequence and biophysical properties (such as structural, functional, and spatial information, amino acid conservation, physicochemical variation, residue mobility, and thermodynamic stability) indicates that this missense variant is not expected to disrupt JMJD1C protein function with a negative predictive value of 80%. In summary, the available evidence is currently insufficient to determine the role of this variant in disease. Therefore, it has been classified as a Variant of Uncertain Significance.